The following is an entry in ClinVar:

ClinVar aggregate classification (germline): Uncertain significance. Review status: criteria provided, multiple submitters, no conflicts (2 of 4 stars). 3 submissions from 3 submitters: Uncertain significance (3). Last evaluated 2024-09-26.

Conditions:
Hereditary cancer-predisposing syndrome. Also called: Hereditary neoplastic syndrome; Neoplastic Syndromes, Hereditary; Tumor predisposition; Hereditary Cancer Syndrome. Identifiers: Orphanet 140162, MedGen C0027672, MeSH D009386, MONDO:0015356.
Fanconi anemia complementation group J. Also called: BRIP1-Related Fanconi Anemia. Identifiers: Orphanet 84, MedGen C1836860, MONDO:0012187, OMIM 609054.
Familial cancer of breast. Also called: BREAST CANCER, FAMILIAL; hereditary breast carcinoma; Hereditary breast cancer. Identifiers: Orphanet 227535, MedGen C0346153, MONDO:0016419, OMIM 114480. Disease mechanism: loss of function.

gnomAD v4.1: 1 of 1,611,546 alleles (0.000062%); highest among the groups gnomAD compares: Admixed American, 0.0017%; no homozygotes.

Submissions (3):

Ambry Genetics
Classification: Uncertain significance for Hereditary cancer-predisposing syndrome. Last evaluated: 2024-09-26. Review status: criteria provided, single submitter. Criteria: Ambry Variant Classification Scheme 2023. Collection method: clinical testing. Allele origin: germline.
Comment: The p.I1231T variant (also known as c.3692T>C), located in coding exon 19 of the BRIP1 gene, results from a T to C substitution at nucleotide position 3692. The isoleucine at codon 1231 is replaced by threonine, an amino acid with similar properties. This variant was reported in 1/60,466 breast cancer cases and in 1/53,461 controls (Dorling et al. N Engl J Med. 2021 02;384:428-439). This amino acid position is not well conserved in available vertebrate species. In addition, this alteration is predicted to be tolerated by in silico analysis. Since supporting evidence is limited at this time, the clinical significance of this alteration remains unclear.

Labcorp Genetics (formerly Invitae), Labcorp
Classification: Uncertain significance for Familial cancer of breast; Fanconi anemia complementation group J. Last evaluated: 2024-09-09. Review status: criteria provided, single submitter. Criteria: Invitae Variant Classification Sherloc (09022015). Collection method: clinical testing. Allele origin: germline.
Comment: This sequence change replaces isoleucine, which is neutral and non-polar, with threonine, which is neutral and polar, at codon 1231 of the BRIP1 protein (p.Ile1231Thr). This variant is present in population databases (no rsID available, gnomAD 0.003%). This variant has not been reported in the literature in individuals affected with BRIP1-related conditions. ClinVar contains an entry for this variant (Variation ID: 461163). An algorithm developed to predict the effect of missense changes on protein structure and function outputs the following: PolyPhen-2: "Benign". The threonine amino acid residue is found in multiple mammalian species, which suggests that this missense change does not adversely affect protein function. In summary, the available evidence is currently insufficient to determine the role of this variant in disease. Therefore, it has been classified as a Variant of Uncertain Significance.

Color Diagnostics, LLC DBA Color Health
Classification: Uncertain significance for Hereditary cancer-predisposing syndrome. Last evaluated: 2019-05-22. Review status: criteria provided, single submitter. Criteria: ACMG Guidelines, 2015. Collection method: clinical testing. Allele origin: germline.

Literature cited by the submitters: PubMed 33471991 (cited by Ambry Genetics).

NM_032043.3(BRIP1):c.3692T>C (p.Ile1231Thr)

Gene: BRIP1 (BRCA1 interacting DNA helicase 1; minus strand). Cytogenetic location: 17q23.2.
Variant type: single nucleotide variant.
Coding change: c.3692T>C on transcript NM_032043.3 (MANE Select); coding-DNA position 3692, T replaced by C.
Protein change: p.Ile1231Thr; replaces isoleucine 1231 with threonine.
Molecular consequence: missense variant.
Genome position (GRCh38, 1-based): chr17:61,683,354, A>G on the plus strand (T>C on the coding strand, the complement: BRIP1 is on the minus strand). VCF-style: chr17-61683354-A-G. GRCh37 (hg19) VCF-style: chr17-59760715-A-G.
Other names: short protein forms I1231T.
Identifiers: ClinVar variation 461163 (VCV000461163.17), dbSNP rs780578438, ClinGen allele CA400477810.